The following is an entry in ClinVar:

ClinVar aggregate classification (germline): Uncertain significance. Review status: criteria provided, multiple submitters, no conflicts (2 of 4 stars). 2 submissions from 2 submitters: Uncertain significance (2). Last evaluated 2025-04-02.

Conditions:
Hereditary cancer-predisposing syndrome. Also called: Tumor predisposition; Hereditary Cancer Syndrome; Hereditary neoplastic syndrome; Neoplastic Syndromes, Hereditary. Identifiers: Orphanet 140162, MedGen C0027672, MeSH D009386, MONDO:0015356.
Multiple endocrine neoplasia, type 2 (MEN2). Identifiers: Orphanet 653, MedGen C4048306, MONDO:0019003. Disease mechanism: gain of function.

Submissions (2):

Labcorp Genetics (formerly Invitae), Labcorp
Classification: Uncertain significance for Multiple endocrine neoplasia, type 2. Last evaluated: 2025-04-02. Review status: criteria provided, single submitter. Criteria: Invitae Variant Classification Sherloc (09022015). Collection method: clinical testing. Allele origin: germline.
Comment: This sequence change replaces methionine, which is neutral and non-polar, with threonine, which is neutral and polar, at codon 1100 of the RET protein (p.Met1100Thr). This variant is not present in population databases (gnomAD no frequency). This variant has not been reported in the literature in individuals affected with RET-related conditions. ClinVar contains an entry for this variant (Variation ID: 2618909). An algorithm developed to predict the effect of missense changes on protein structure and function (PolyPhen-2) suggests that this variant is likely to be disruptive. In summary, the available evidence is currently insufficient to determine the role of this variant in disease. Therefore, it has been classified as a Variant of Uncertain Significance.

Ambry Genetics
Classification: Uncertain significance for Hereditary cancer-predisposing syndrome. Last evaluated: 2023-08-24. Review status: criteria provided, single submitter. Criteria: Ambry Variant Classification Scheme 2023. Collection method: clinical testing. Allele origin: germline.
Comment: The p.M1100T variant (also known as c.3299T>C), located in coding exon 20 of the RET gene, results from a T to C substitution at nucleotide position 3299. The methionine at codon 1100 is replaced by threonine, an amino acid with similar properties. This amino acid position is highly conserved in available vertebrate species. In addition, this alteration is predicted to be deleterious by in silico analysis. Since supporting evidence is limited at this time, the clinical significance of this alteration remains unclear.

NM_020975.6(RET):c.3299T>C (p.Met1100Thr)

Gene: RET (ret proto-oncogene; plus strand). Cytogenetic location: 10q11.21.
Variant type: single nucleotide variant.
Coding change: c.3299T>C on transcript NM_020975.6 (MANE Select); coding-DNA position 3299, T replaced by C.
Protein change: p.Met1100Thr; replaces methionine 1100 with threonine.
Molecular consequence: missense variant. On other transcripts: 3 prime UTR variant (18), intron variant (3).
Genome position (GRCh38, 1-based): chr10:43,128,223, T>C. VCF-style: chr10-43128223-T-C. GRCh37 (hg19) VCF-style: chr10-43623671-T-C.
Other names: c.3299T>C, p.Met1100Thr (NM_000323.2, NM_001406743.1); c.*1469T>C (NM_001355216.2, NM_001406764.1, NM_001406765.1 and 15 more transcripts); c.3239T>C, p.Met1080Thr (NM_001406759.1, NM_001406760.1); c.3170T>C, p.Met1057Thr (NM_001406761.1, NM_001406762.1); c.3164T>C, p.Met1055Thr (NM_001406763.1); c.3011T>C, p.Met1004Thr (NM_001406766.1, NM_001406767.1); c.2903T>C, p.Met968Thr (NM_001406769.1); c.2861T>C, p.Met954Thr (NM_001406771.1); and 10 more; short protein forms M1080T, M758T, M801T, M954T, M1057T, M597T, M617T, M705T.
Identifiers: ClinVar variation 2618909 (VCV002618909.5), dbSNP rs2538662622, ClinGen allele CA376559203.